The following is an entry in ClinVar:

NM_000188.3(HK1):c.534C>T (p.Ser178=)

Gene: HK1 (hexokinase 1; plus strand). Cytogenetic location: 10q22.1.
Variant type: single nucleotide variant.
Coding change: c.534C>T on transcript NM_000188.3 (MANE Select); coding-DNA position 534, C replaced by T.
Protein change: p.Ser178=; no amino-acid change (serine 178 retained).
Molecular consequence: synonymous variant. On other transcripts: intron variant (1).
Genome position (GRCh38, 1-based): chr10:69,368,574, C>T. VCF-style: chr10-69368574-C-T. GRCh37 (hg19) VCF-style: chr10-71128330-C-T.
Other names: p.Ser178=; c.546C>T, p.Ser182= (NM_001322364.2, NM_001358263.1, NM_033497.3 and 1 more transcripts); c.639C>T, p.Ser213= (NM_001322365.2); c.450C>T, p.Ser150= (NM_001322366.1); c.531C>T, p.Ser177= (NM_033496.3); c.498C>T, p.Ser166= (NM_033500.2); c.496-663C>T (NM_001322367.1).
Identifiers: ClinVar variation 773534 (VCV000773534.49), dbSNP rs145719365, ClinGen allele CA5532361.
Genomic context (GRCh38, chr10:69,368,574, plus strand): 5'-CCCCATCCATTCTTCTTTGCAGGCCATCCTGATCACCTGGACAAAGCGATTTAAAGCGAG[C>T]GGAGTGGAAGGAGCAGATGTGGTCAAACTGCTTAACAAAGCCATCAAAAAGCGAGGGGTA-3'
Protein context (NP_000179.2, residues 168-188): LITWTKRFKA[Ser178=]GVEGADVVKL

ClinVar aggregate classification (germline): Benign/Likely benign. Review status: criteria provided, multiple submitters, no conflicts (2 of 4 stars). 7 submissions from 7 submitters: Benign (1); Likely benign (5). 1 of the submissions does not count toward it. Last evaluated 2026-09-01.

Conditions:
HK1-related disorder. Also called: HK1-related disorders; HK1-related condition.

Allele frequency attached by ClinVar (database versions not stated): 1000 Genomes Project 0.00020; 1000 Genomes Project 30x 0.00031; gnomAD exomes 0.00052; ExAC 0.00058; TOPMed 0.00065; ESP Exome Variant Server 0.00069; gnomAD 0.00077 and 0.00088.

Submissions (7):

CeGaT Center for Human Genetics Tuebingen
Classification: Likely benign. Last evaluated: 2026-09-01. Review status: criteria provided, single submitter. Criteria: CeGaT Center For Human Genetics Tuebingen Variant Classification Criteria Version 2. Collection method: clinical testing. Allele origin: germline. Affected: yes. Observed: 11 variant alleles.
Comment: HK1: BP4, BP7

Labcorp Genetics (formerly Invitae), Labcorp
Classification: Likely benign. Last evaluated: 2026-02-01. Review status: criteria provided, single submitter. Criteria: Invitae Variant Classification Sherloc (09022015). Collection method: clinical testing. Allele origin: germline.

ARUP Laboratories, Molecular Genetics and Genomics, ARUP Laboratories
Classification: Likely benign. Last evaluated: 2025-05-28. Review status: criteria provided, single submitter. Criteria: ARUP Molecular Germline Variant Investigation Process 2024. Collection method: clinical testing. Allele origin: germline.

Laboratory of Genetics, Children's Clinical University Hospital Latvia
Classification: Benign. Last evaluated: 2025-02-16. Review status: criteria provided, single submitter. Criteria: ACMG Guidelines, 2015. Collection method: clinical testing. Allele origin: germline. Affected: yes.

Mayo Clinic Laboratories, Mayo Clinic
Classification: Likely benign. Last evaluated: 2025-01-28. Review status: criteria provided, single submitter. Criteria: ACMG Guidelines, 2015. Collection method: clinical testing. Allele origin: germline. Observed: 3 variant alleles.
Comment: BS1, BP4, BP7

Blueprint Genetics
Classification: Likely benign. Last evaluated: 2024-11-11. Review status: criteria provided, single submitter. Criteria: ACMG Guidelines, 2015. Collection method: clinical testing. Allele origin: germline.

PreventionGenetics, part of Exact Sciences
Classification: Likely benign for HK1-related condition. Last evaluated: 2019-04-17. Review status: no assertion criteria provided. Collection method: clinical testing. Allele origin: germline. Not counted in ClinVar's aggregate classification.
Comment: This variant is classified as likely benign based on ACMG/AMP sequence variant interpretation guidelines (Richards et al. 2015 PMID: 25741868, with internal and published modifications).